The following is an entry in ClinVar:

NM_207122.2(EXT2):c.1916C>T (p.Thr639Met)

Gene: EXT2 (exostosin glycosyltransferase 2; plus strand). Cytogenetic location: 11p11.2.
Variant type: single nucleotide variant.
Coding change: c.1916C>T on transcript NM_207122.2 (MANE Select); coding-DNA position 1916, C replaced by T.
Protein change: p.Thr639Met; replaces threonine 639 with methionine.
Molecular consequence: missense variant.
Genome position (GRCh38, 1-based): chr11:44,234,224, C>T. VCF-style: chr11-44234224-C-T. GRCh37 (hg19) VCF-style: chr11-44255774-C-T.
Other names: EXT2, THR672MET (rs138722406); c.2015C>T, p.Thr672Met (NM_000401.3); c.1946C>T, p.Thr649Met (NM_001178083.3); c.1916C>T, p.Thr639Met (NM_001389628.1, NM_001389630.1); short protein forms T639M, T672M, T649M.
Identifiers: ClinVar variation 134205 (VCV000134205.20), dbSNP rs138722406, ClinGen allele CA159116.

ClinVar aggregate classification (germline): Conflicting classifications of pathogenicity. Review status: criteria provided, conflicting classifications (1 of 4 stars). 7 submissions from 7 submitters: Uncertain significance (3); Likely benign (2). 2 of the submissions do not count toward it. Last evaluated 2026-01-23.

Conditions:
Seizures-scoliosis-macrocephaly syndrome. Also called: SEIZURES, SCOLIOSIS, AND MACROCEPHALY/MICROCEPHALY SYNDROME; Seizures, scoliosis, and macrocephaly syndrome. Identifiers: Orphanet 466926, MedGen C4225248, MONDO:0014731, OMIM 616682.
Exostoses, multiple, type 2 (EXT2). Also called: EXOSTOSES, MULTIPLE, TYPE II; Hereditary Multiple Osteochondromatosis, Type II. Identifiers: Orphanet 321, MedGen C1851413, MONDO:0007586, OMIM 133701.

Allele frequency attached by ClinVar (database versions not stated): TOPMed 0.00010; ExAC 0.00008; gnomAD 0.00009 and 0.00010; gnomAD exomes 0.00008 and 0.00014; ESP Exome Variant Server 0.00008.
gnomAD v4.1: 217 of 1,613,910 alleles (0.013%); highest among the groups gnomAD compares: Non-Finnish European, 0.014%; no homozygotes.

Submissions (7):

Dasa
Classification: Uncertain significance. Last evaluated: 2026-01-23. Review status: criteria provided, single submitter. Criteria: DASA Assertion Criteria. Collection method: clinical testing. Allele origin: germline.
Comment: NM_207122.2(EXT2):c.1916C>T (p.Thr639Met) is a missense variant that results in the substitution of threonine with methionine. This variant is rare in population databases. Computational prediction algorithms are consistent with a deleterious effect. The currently available literature and clinical evidence are not sufficient to establish a definitive association between this variant and the reported condition. Therefore, this variant is classified as a variant of uncertain significance.

Labcorp Genetics (formerly Invitae), Labcorp
Classification: Likely benign for Exostoses, multiple, type 2. Last evaluated: 2025-10-06. Review status: criteria provided, single submitter. Criteria: Invitae Variant Classification Sherloc (09022015). Collection method: clinical testing. Allele origin: germline.

Fulgent Genetics
Classification: Uncertain significance for Exostoses, multiple, type 2; Seizures-scoliosis-macrocephaly syndrome. Last evaluated: 2024-01-22. Review status: criteria provided, single submitter. Criteria: ACMG Guidelines, 2015. Collection method: clinical testing. Allele origin: germline.

Illumina Laboratory Services, Illumina
Classification: Likely benign for Exostoses, multiple, type 2. Last evaluated: 2018-01-13. Review status: criteria provided, single submitter. Criteria: ICSL Variant Classification Criteria 13 December 2019. Collection method: clinical testing. Allele origin: germline.
Comment: This variant was observed in the ICSL laboratory as part of a predisposition screen in an ostensibly healthy population. It had not been previously curated by ICSL or reported in the Human Gene Mutation Database (HGMD: prior to June 1st, 2018), and was therefore a candidate for classification through an automated scoring system. Utilizing variant allele frequency, disease prevalence and penetrance estimates, and inheritance mode, an automated score was calculated to assess if this variant is too frequent to cause the disease. Based on the score and internal cut-off values, a variant classified as likely benign is not then subjected to further curation. The score for this variant resulted in a classification of likely benign for this disease.

Mayo Clinic Laboratories, Mayo Clinic
Classification: Uncertain significance for Seizures-scoliosis-macrocephaly syndrome. Last evaluated: 2017-07-24. Review status: criteria provided, single submitter. Criteria: ACMG Guidelines, 2015. Collection method: clinical testing. Allele origin: maternal.

OMIM
Classification: Pathogenic for SEIZURES, SCOLIOSIS, AND MACROCEPHALY SYNDROME. Last evaluated: 2025-02-04. Review status: no assertion criteria provided. Collection method: literature only. Allele origin: germline. Not counted in ClinVar's aggregate classification.

ITMI
No classification provided. Condition: AllHighlyPenetrant. Last evaluated: 2013-09-19. Review status: no classification provided. Collection method: reference population. Allele origin: germline. Not counted in ClinVar's aggregate classification.
Comment: Please see associated publication for description of ethnicities

Literature cited by the submitters: PubMed 30997052 (cited by OMIM); PubMed 24728327 (cited by ITMI).